The following is an entry in ClinVar:

NM_007294.4(BRCA1):c.5507A>T (p.Glu1836Val)

Gene: BRCA1 (BRCA1 DNA repair associated; minus strand). Cytogenetic location: 17q21.31.
Variant type: single nucleotide variant.
Coding change: c.5507A>T on transcript NM_007294.4 (MANE Select); coding-DNA position 5507, A replaced by T.
Protein change: p.Glu1836Val; replaces glutamic acid 1836 with valine.
Molecular consequence: missense variant. On other transcripts: 3 prime UTR variant (1), non-coding transcript variant (1).
Genome position (GRCh38, 1-based): chr17:43,045,763, T>A on the plus strand (A>T on the coding strand, the complement: BRCA1 is on the minus strand). VCF-style: chr17-43045763-T-A. GRCh37 (hg19) VCF-style: chr17-41197780-T-A.
Other names: c.5507A>T, p.Glu1836Val (NM_001407598.1, NM_001407602.1, NM_001407603.1 and 5 more transcripts); c.5504A>T, p.Glu1835Val (NM_001407610.1, NM_001407611.1, NM_001407612.1 and 14 more transcripts); c.5243A>T, p.Glu1748Val (NM_001407923.1, NM_001407924.1, NM_001407925.1 and 4 more transcripts); c.5240A>T, p.Glu1747Val (NM_001407927.1, NM_001407928.1, NM_001407929.1 and 4 more transcripts); c.5294A>T, p.Glu1765Val (NM_001407900.1, NM_001407902.1, NM_001407904.1 and 12 more transcripts); c.5045A>T, p.Glu1682Val (NM_001407964.1); c.5000A>T, p.Glu1667Val (NM_001407965.1); c.4619A>T, p.Glu1540Val (NM_001407966.1); and 74 more; short protein forms E1857V, E1789V, E732V, E1836V, E1539V, E1667V, E1707V, E1724V.
Identifiers: ClinVar variation 868604 (VCV000868604.3), dbSNP rs2050878133, ClinGen allele CA10590300.

Conditions:
Breast-ovarian cancer, familial, susceptibility to, 1 (BROVCA1). Also called: BRCA1 Hereditary Breast and Ovarian Cancer; OVARIAN CANCER, SUSCEPTIBILITY TO. Identifiers: Orphanet 145, MedGen C2676676, MONDO:0011450, OMIM 604370. Disease mechanism: loss of function.

Submission:

Brotman Baty Institute, University of Washington
No classification provided (evidence only). Condition: Breast-ovarian cancer, familial 1. Review status: no classification provided. Collection method: in vitro. Allele origin: not applicable. Functional consequence: functionally_abnormal.
ClinVar note: "not provided" was previously submitted as the classification for the variant. However, the classification appeared to be based only on an observation of functional data so it was converted to no classification on 2025-07-30.